The following is an entry in ClinVar:

NM_006939.4(SOS2):c.1235G>T (p.Ser412Ile)

Gene: SOS2 (SOS Ras/Rho guanine nucleotide exchange factor 2; minus strand). Cytogenetic location: 14q21.3.
Variant type: single nucleotide variant.
Coding change: c.1235G>T on transcript NM_006939.4 (MANE Select); coding-DNA position 1235, G replaced by T.
Protein change: p.Ser412Ile; replaces serine 412 with isoleucine.
Molecular consequence: missense variant.
Genome position (GRCh38, 1-based): chr14:50,160,048, C>A on the plus strand (G>T on the coding strand, the complement: SOS2 is on the minus strand). VCF-style: chr14-50160048-C-A. GRCh37 (hg19) VCF-style: chr14-50626766-C-A.
Other names: c.1136G>T, p.Ser379Ile (NM_001411020.1); short protein forms S379I, S412I.
Identifiers: ClinVar variation 2106561 (VCV002106561.4), dbSNP rs1884943725, ClinGen allele CA389646256.

ClinVar aggregate classification (germline): Uncertain significance (1 of 4 stars; one submission).

Conditions:
Noonan syndrome 9 (NS9). Identifiers: Orphanet 648, MedGen C4225282, MONDO:0014691, OMIM 616559.

Submission:

Labcorp Genetics (formerly Invitae), Labcorp
Classification: Uncertain significance for Noonan syndrome 9. Last evaluated: 2022-03-14. Review status: criteria provided, single submitter. Criteria: Invitae Variant Classification Sherloc (09022015). Collection method: clinical testing. Allele origin: germline.
Comment: Algorithms developed to predict the effect of missense changes on protein structure and function are either unavailable or do not agree on the potential impact of this missense change (SIFT: "Deleterious"; PolyPhen-2: "Benign"; Align-GVGD: "Class C0"). In summary, the available evidence is currently insufficient to determine the role of this variant in disease. Therefore, it has been classified as a Variant of Uncertain Significance. This variant has not been reported in the literature in individuals affected with SOS2-related conditions. This variant is not present in population databases (gnomAD no frequency). This sequence change replaces serine, which is neutral and polar, with isoleucine, which is neutral and non-polar, at codon 412 of the SOS2 protein (p.Ser412Ile).